The following is an entry in ClinVar:

NM_213655.5(WNK1):c.3103T>C (p.Ser1035Pro)

Gene: WNK1 (WNK lysine deficient protein kinase 1; plus strand). Cytogenetic location: 12p13.33.
Variant type: single nucleotide variant.
Coding change: c.3103T>C on transcript NM_213655.5 (MANE Plus Clinical); coding-DNA position 3103, T replaced by C.
Protein change: p.Ser1035Pro; replaces serine 1035 with proline.
Molecular consequence: missense variant. On other transcripts: intron variant (2).
Genome position (GRCh38, 1-based): chr12:868,574, T>C. VCF-style: chr12-868574-T-C. GRCh37 (hg19) VCF-style: chr12-977740-T-C.
Other names: c.2848T>C, p.Ser950Pro (NM_001184985.2); c.2140-2691T>C (NM_018979.4, NM_014823.3); short protein forms S1035P, S950P.
Identifiers: ClinVar variation 1445576 (VCV001445576.8), dbSNP rs753468097, ClinGen allele CA6382301.
Genomic context (GRCh38, chr12:868,574, plus strand): 5'-TCTGCACCTATCAGTACAGATGCTACACGTTTGAAATTTCACCCTGTCTTTGTTCCTCAT[T>C]CTGCGCCTGCTGTGTTAACTCATAACAATGAGAGCAGAAGCAACTGTGTATTTGAATTTC-3'
Protein context (NP_998820.3, residues 1025-1045): LKFHPVFVPH[Ser1035Pro]APAVLTHNNE

ClinVar aggregate classification (germline): Uncertain significance (1 of 4 stars; one submission).

Conditions:
Neuropathy, hereditary sensory and autonomic, type 2A (HSAN2A). Also called: ACROOSTEOLYSIS, GIACCAI TYPE; ACROOSTEOLYSIS, NEUROGENIC; MORVAN DISEASE; NEUROPATHY, CONGENITAL SENSORY; NEUROPATHY, HEREDITARY SENSORY RADICULAR, AUTOSOMAL RECESSIVE; NEUROPATHY, HEREDITARY SENSORY, TYPE IIA. Identifiers: Orphanet 970, MedGen C2752089, MONDO:0024309, OMIM 201300.
Pseudohypoaldosteronism type 2C (PHA2C). Also called: Pseudohypoaldosteronism Type IIC. Identifiers: Orphanet 757, Orphanet 88940, MedGen C1840391, MONDO:0013778, OMIM 614492.

Allele frequency attached by ClinVar (database versions not stated): ExAC 0.00001.

Submission:

Labcorp Genetics (formerly Invitae), Labcorp
Classification: Uncertain significance for Neuropathy, hereditary sensory and autonomic, type 2A; Pseudohypoaldosteronism type 2C. Last evaluated: 2020-11-13. Review status: criteria provided, single submitter. Criteria: Invitae Variant Classification Sherloc (09022015). Collection method: clinical testing. Allele origin: germline.
Comment: This sequence change replaces serine with proline at codon 1035 of the WNK1 protein (p.Ser1035Pro). The serine residue is weakly conserved and there is a moderate physicochemical difference between serine and proline. This variant is present in population databases (rs753468097, ExAC 0.002%). This variant has not been reported in the literature in individuals with WNK1-related conditions. Advanced modeling of protein sequence and biophysical properties (such as structural, functional, and spatial information, amino acid conservation, physicochemical variation, residue mobility, and thermodynamic stability) performed at Invitae indicates that this missense variant is not expected to disrupt WNK1 protein function. In summary, the available evidence is currently insufficient to determine the role of this variant in disease. Therefore, it has been classified as a Variant of Uncertain Significance.